The following is an entry in ClinVar:

ClinVar aggregate classification (germline): Likely benign (1 of 4 stars; one submission).

Conditions:
NKX2-5-related disorder. Also called: NKX2-5-related condition.

Submission:

PreventionGenetics, part of Exact Sciences
Classification: Likely benign for NKX2-5-related condition. Last evaluated: 2025-03-25. Review status: criteria provided, single submitter. Criteria: ACMG Guidelines, 2015. Collection method: clinical testing. Allele origin: germline.
Comment: This variant is classified as likely benign based on ACMG/AMP sequence variant interpretation guidelines (Richards et al. 2015 PMID: 25741868, with internal and published modifications).

NM_004387.4(NKX2-5):c.702G>C (p.Ser234=)

Gene: NKX2-5 (NK2 homeobox 5; minus strand). Cytogenetic location: 5q35.1.
Variant type: single nucleotide variant.
Coding change: c.702G>C on transcript NM_004387.4 (MANE Select); coding-DNA position 702, G replaced by C.
Protein change: p.Ser234=; no amino-acid change (serine 234 retained).
Molecular consequence: synonymous variant. On other transcripts: 3 prime UTR variant (2).
Genome position (GRCh38, 1-based): chr5:173,232,842, C>G on the plus strand (G>C on the coding strand, the complement: NKX2-5 is on the minus strand). VCF-style: chr5-173232842-C-G. GRCh37 (hg19) VCF-style: chr5-172659845-C-G.
Other names: c.*655G>C (NM_001166175.2); c.*501G>C (NM_001166176.2).
Identifiers: ClinVar variation 4977078 (VCV004977078.1).
Genomic context (GRCh38, chr5:173,232,842, plus strand): 5'-GGGGTAGGCGTTATAACCGTAGGGATTGAGGCCCACGCCGTAGGCAGGCGCGTAGGGCGC[C>G]GAGTCCCCTAGGCATGGCTTGCCATCGCGCACCAGCACTGGCACCGCGATCCTGCGGGCA-3'
Protein context (NP_004378.1, residues 224-244): VRDGKPCLGD[Ser234=]APYAPAYGVG